The following is an entry in ClinVar:

NM_006765.4(TUSC3):c.534A>G (p.Leu178=)

Gene: TUSC3 (tumor suppressor candidate 3; plus strand). Cytogenetic location: 8p22.
Variant type: single nucleotide variant.
Coding change: c.534A>G on transcript NM_006765.4 (MANE Select); coding-DNA position 534, A replaced by G.
Protein change: p.Leu178=; no amino-acid change (leucine 178 retained).
Molecular consequence: synonymous variant. On other transcripts: non-coding transcript variant (5).
Genome position (GRCh38, 1-based): chr8:15,659,614, A>G. VCF-style: chr8-15659614-A-G. GRCh37 (hg19) VCF-style: chr8-15517123-A-G.
Other names: c.102A>G, p.Leu34= (NM_001413677.1); c.147A>G, p.Leu49= (NM_001413678.1); c.534A>G, p.Leu178= (NM_001413679.1, NM_001413680.1, NM_001413681.1 and 16 more transcripts); c.366A>G, p.Leu122= (NM_001413669.1, NM_001413671.1, NM_001413672.1); c.474A>G, p.Leu158= (NM_001413670.1); c.528A>G, p.Leu176= (NM_001413690.1).
Identifiers: ClinVar variation 2658439 (VCV002658439.24), dbSNP rs2129179090, ClinGen allele CA459824033.

ClinVar aggregate classification (germline): Likely benign (1 of 4 stars; one submission).

gnomAD v4.1: 2 of 1,613,416 alleles (0.00012%); no homozygotes.

Submission:

CeGaT Center for Human Genetics Tuebingen
Classification: Likely benign. Last evaluated: 2023-08-01. Review status: criteria provided, single submitter. Criteria: CeGaT Center For Human Genetics Tuebingen Variant Classification Criteria Version 2. Collection method: clinical testing. Allele origin: germline. Affected: yes. Observed: 1 variant allele.
Comment: TUSC3: PM2:Supporting, BP4, BP7